The following is an entry in ClinVar:

ClinVar aggregate classification (germline): Uncertain significance. Review status: criteria provided, multiple submitters, no conflicts (2 of 4 stars). 2 submissions from 2 submitters: Uncertain significance (2). Last evaluated 2025-09-10.

Conditions:
Cardiovascular phenotype. Identifiers: MedGen CN230736.
Capillary malformation-arteriovenous malformation syndrome. Also called: Capillary malformation-arteriovenous malformation. Identifiers: Orphanet 137667, MedGen C1842180, MONDO:0012016.

Allele frequency attached by ClinVar (database versions not stated): gnomAD exomes 0.00001.
gnomAD v4.1: 4 of 1,600,242 alleles (0.00025%); highest among the groups gnomAD compares: African/African-American, 0.0027%; no homozygotes.

Submissions (2):

Labcorp Genetics (formerly Invitae), Labcorp
Classification: Uncertain significance for Capillary malformation-arteriovenous malformation syndrome. Last evaluated: 2025-09-10. Review status: criteria provided, single submitter. Criteria: Invitae Variant Classification Sherloc (09022015). Collection method: clinical testing. Allele origin: germline.
Comment: This sequence change replaces proline, which is neutral and non-polar, with leucine, which is neutral and non-polar, at codon 31 of the RASA1 protein (p.Pro31Leu). This variant is present in population databases (no rsID available, gnomAD 0.006%). This variant has not been reported in the literature in individuals affected with RASA1-related conditions. ClinVar contains an entry for this variant (Variation ID: 2125725). An algorithm developed to predict the effect of missense changes on protein structure and function (PolyPhen-2) suggests that this variant is likely to be disruptive. In summary, the available evidence is currently insufficient to determine the role of this variant in disease. Therefore, it has been classified as a Variant of Uncertain Significance.

Ambry Genetics
Classification: Uncertain significance for Cardiovascular phenotype. Last evaluated: 2025-05-30. Review status: criteria provided, single submitter. Criteria: Ambry Variant Classification Scheme 2023. Collection method: clinical testing. Allele origin: germline.
Comment: The p.P31L variant (also known as c.92C>T), located in coding exon 1 of the RASA1 gene, results from a C to T substitution at nucleotide position 92. The proline at codon 31 is replaced by leucine, an amino acid with similar properties. This amino acid position is conserved. In addition, this alteration is predicted to be tolerated by in silico analysis. Based on the available evidence, the clinical significance of this variant remains unclear.

NM_002890.3(RASA1):c.92C>T (p.Pro31Leu)

Gene: RASA1 (RAS p21 protein activator 1; plus strand). Cytogenetic location: 5q14.3.
Variant type: single nucleotide variant.
Coding change: c.92C>T on transcript NM_002890.3 (MANE Select); coding-DNA position 92, C replaced by T.
Protein change: p.Pro31Leu; replaces proline 31 with leucine.
Molecular consequence: missense variant.
Genome position (GRCh38, 1-based): chr5:87,268,543, C>T. VCF-style: chr5-87268543-C-T. GRCh37 (hg19) VCF-style: chr5-86564360-C-T.
Other names: short protein forms P31L.
Identifiers: ClinVar variation 2125725 (VCV002125725.5), dbSNP rs1484820367, ClinGen allele CA360416765.